The following is an entry in ClinVar:

NM_001164508.2(NEB):c.9396del (p.Tyr3133fs)

Gene: NEB (nebulin; minus strand). Cytogenetic location: 2q23.3.
Variant type: Deletion.
Coding change: c.9396del on transcript NM_001164508.2 (MANE Select); coding-DNA position 9396, one base deleted (C; older notation c.9396delC).
Protein change: p.Tyr3133fs; shifts the reading frame from tyrosine 3133.
Molecular consequence: frameshift variant. On other transcripts: intron variant (1).
Genome position (GRCh38, 1-based): chr2:151,633,672, G deleted on the plus strand (C on the coding strand, the reverse complement: NEB is on the minus strand); the first of 2 consecutive G bases (chr2:151,633,672-151,633,673); deleting either gives the same sequence. VCF-style (leftmost placement, unchanged base first): chr2-151633671-AG-A. GRCh37 (hg19) VCF-style: chr2-152490185-AG-A.
Other names: c.9396del, p.Tyr3133fs (NM_001164507.2, NM_001271208.2); c.8854-2494del (NM_004543.5); short protein forms Y3133fs.
Identifiers: ClinVar variation 2832344 (VCV002832344.3), dbSNP rs2552239780, ClinGen allele CA2739271228.

ClinVar aggregate classification (germline): Pathogenic (1 of 4 stars; one submission).

Conditions:
Nemaline myopathy 2 (NEM2). Also called: Nemaline myopathy 2, autosomal recessive. Identifiers: MedGen C1850569, MONDO:0009725, OMIM 256030.

Submission:

Labcorp Genetics (formerly Invitae), Labcorp
Classification: Pathogenic for Nemaline myopathy 2. Last evaluated: 2023-01-27. Review status: criteria provided, single submitter. Criteria: Invitae Variant Classification Sherloc (09022015). Collection method: clinical testing. Allele origin: germline.
Comment: This sequence change creates a premature translational stop signal (p.Tyr3133Metfs*16) in the NEB gene. It is expected to result in an absent or disrupted protein product. Loss-of-function variants in NEB are known to be pathogenic (PMID: 25205138). The frequency data for this variant in the population databases (gnomAD) is considered unreliable due to the presence of homologous sequence, such as pseudogenes or paralogs, in the genome. This variant has not been reported in the literature in individuals affected with NEB-related conditions. For these reasons, this variant has been classified as Pathogenic.

Literature cited by the submitters: PubMed 25205138.